The following is an entry in ClinVar:

ClinVar aggregate classification (germline): Uncertain significance. Review status: criteria provided, multiple submitters, no conflicts (2 of 4 stars). 2 submissions from 2 submitters: Uncertain significance (2). Last evaluated 2023-04-14.

Conditions:
Duchenne muscular dystrophy (DMD). Also called: Duchenne Muscular Dystrophy (DMD); MUSCULAR DYSTROPHY, PSEUDOHYPERTROPHIC PROGRESSIVE, DUCHENNE TYPE. Identifiers: Orphanet 98896, MedGen C0013264, MONDO:0010679, OMIM 310200.

Submissions (2):

Labcorp Genetics (formerly Invitae), Labcorp
Classification: Uncertain significance for Duchenne muscular dystrophy. Last evaluated: 2023-04-14. Review status: criteria provided, single submitter. Criteria: Invitae Variant Classification Sherloc (09022015). Collection method: clinical testing. Allele origin: germline.
Comment: Variants that disrupt the consensus splice site are a relatively common cause of aberrant splicing (PMID: 17576681, 9536098). Algorithms developed to predict the effect of sequence changes on RNA splicing suggest that this variant may disrupt the consensus splice site. In summary, the available evidence is currently insufficient to determine the role of this variant in disease. Therefore, it has been classified as a Variant of Uncertain Significance. ClinVar contains an entry for this variant (Variation ID: 284677). This variant has not been reported in the literature in individuals affected with DMD-related conditions. This variant is not present in population databases (gnomAD no frequency). This sequence change falls in intron 55 of the DMD gene. It does not directly change the encoded amino acid sequence of the DMD protein. It affects a nucleotide within the consensus splice site.

Eurofins Ntd Llc (ga)
Classification: Uncertain significance. Last evaluated: 2015-11-03. Review status: criteria provided, single submitter. Criteria: EGL Classification Definitions 2015. Collection method: clinical testing. Allele origin: germline. Observed: 1 variant allele, 1 hemizygote.

Literature cited by the submitters: PubMed 17576681 (cited by Labcorp Genetics (formerly Invitae), Labcorp); PubMed 9536098 (cited by Labcorp Genetics (formerly Invitae), Labcorp).

NM_004006.3(DMD):c.8217+3A>C

Gene: DMD (dystrophin; minus strand). Cytogenetic location: Xp21.1.
Variant type: single nucleotide variant.
Coding change: c.8217+3A>C on transcript NM_004006.3 (MANE Select); 3 bases into the intron after coding-DNA position 8217, A replaced by C.
Molecular consequence: intron variant.
Genome position (GRCh38, 1-based): chrX:31,627,670, T>G on the plus strand (A>C on the coding strand, the complement: DMD is on the minus strand). VCF-style: chrX-31627670-T-G. GRCh37 (hg19) VCF-style: chrX-31645787-T-G.
Other names: c.8193+3A>C (NM_000109.4); c.4194+3A>C (NM_004011.4); c.4185+3A>C (NM_004012.4); c.837+3A>C (NM_004023.3, NM_004020.4, NM_004022.3 and 2 more transcripts); c.8205+3A>C (NM_004009.3); c.7848+3A>C (NM_004010.3).
Identifiers: ClinVar variation 284677 (VCV000284677.12), dbSNP rs886042918, ClinGen allele CA10604868.